The following is an entry in ClinVar:

ClinVar aggregate classification (germline): Likely benign. Review status: criteria provided, multiple submitters, no conflicts (2 of 4 stars). 2 submissions from 2 submitters: Likely benign (2). Last evaluated 2024-12-22.

Allele frequency attached by ClinVar (database versions not stated): ExAC 0.00001; gnomAD 0.00002; TOPMed 0.00002; gnomAD exomes 0.00004.
gnomAD v4.1: 58 of 1,614,068 alleles (0.0036%); highest among the groups gnomAD compares: East Asian, 0.0045%; no homozygotes.

Submissions (2):

Labcorp Genetics (formerly Invitae), Labcorp
Classification: Likely benign. Last evaluated: 2024-12-22. Review status: criteria provided, single submitter. Criteria: Invitae Variant Classification Sherloc (09022015). Collection method: clinical testing. Allele origin: germline.

CeGaT Center for Human Genetics Tuebingen
Classification: Likely benign. Last evaluated: 2024-04-01. Review status: criteria provided, single submitter. Criteria: CeGaT Center For Human Genetics Tuebingen Variant Classification Criteria Version 2. Collection method: clinical testing. Allele origin: germline. Affected: yes. Observed: 1 variant allele.
Comment: TCF20: BP4, BP7

NM_001378418.1(TCF20):c.954G>A (p.Pro318=)

Gene: TCF20 (transcription factor 20; minus strand). Cytogenetic location: 22q13.2.
Variant type: single nucleotide variant.
Coding change: c.954G>A on transcript NM_001378418.1 (MANE Select); coding-DNA position 954, G replaced by A.
Protein change: p.Pro318=; no amino-acid change (proline 318 retained).
Molecular consequence: synonymous variant.
Genome position (GRCh38, 1-based): chr22:42,214,352, C>T on the plus strand (G>A on the coding strand, the complement: TCF20 is on the minus strand). VCF-style: chr22-42214352-C-T. GRCh37 (hg19) VCF-style: chr22-42610358-C-T.
Other names: c.954G>A, p.Pro318= (NM_005650.4, NM_181492.3).
Identifiers: ClinVar variation 2192129 (VCV002192129.24), dbSNP rs750872618, ClinGen allele CA10267262.